The following is an entry in ClinVar:

NM_006892.4(DNMT3B):c.*763A>G

Gene: DNMT3B (DNA methyltransferase 3 beta; plus strand). Cytogenetic location: 20q11.21.
Variant type: single nucleotide variant.
Coding change: c.*763A>G on transcript NM_006892.4 (MANE Select); 763 bases downstream of the stop codon, A replaced by G.
Molecular consequence: 3 prime UTR variant.
Genome position (GRCh38, 1-based): chr20:32,808,666, A>G. VCF-style: chr20-32808666-A-G. GRCh37 (hg19) VCF-style: chr20-31396472-A-G.
Other names: c.*763A>G (NM_001207055.2, NM_001207056.2, NM_175848.2 and 2 more transcripts).
Identifiers: ClinVar variation 896292 (VCV000896292.4), dbSNP rs535281176, ClinGen allele CA313160264.

ClinVar aggregate classification (germline): Likely benign (1 of 4 stars; one submission).

Conditions:
Immunodeficiency-centromeric instability-facial anomalies syndrome 1 (ICF1). Identifiers: Orphanet 2268, MedGen C4551557, MONDO:0009454, OMIM 242860.

Allele frequency attached by ClinVar (database versions not stated): gnomAD below 0.00001 and 0.00021; TOPMed 0.00004; gnomAD exomes 0.00013; 1000 Genomes Project 30x 0.00141; 1000 Genomes Project 0.00180.
gnomAD v4.1: 40 of 230,262 alleles (0.017%); highest among the groups gnomAD compares: South Asian, 0.73%; 1 homozygote.

Submission:

Illumina Laboratory Services, Illumina
Classification: Likely benign for Immunodeficiency-centromeric instability-facial anomalies syndrome 1. Last evaluated: 2018-01-13. Review status: criteria provided, single submitter. Criteria: ICSL Variant Classification Criteria 13 December 2019. Collection method: clinical testing. Allele origin: germline.
Comment: This variant was observed in the ICSL laboratory as part of a predisposition screen in an ostensibly healthy population. It had not been previously curated by ICSL or reported in the Human Gene Mutation Database (HGMD: prior to June 1st, 2018), and was therefore a candidate for classification through an automated scoring system. Utilizing variant allele frequency, disease prevalence and penetrance estimates, and inheritance mode, an automated score was calculated to assess if this variant is too frequent to cause the disease. Based on the score and internal cut-off values, a variant classified as likely benign is not then subjected to further curation. The score for this variant resulted in a classification of likely benign for this disease.